The following is an entry in ClinVar:

NM_000551.4(VHL):c.209A>C (p.Glu70Ala)

Gene: VHL (von Hippel-Lindau tumor suppressor; plus strand). Cytogenetic location: 3p25.3.
Variant type: single nucleotide variant.
Coding change: c.209A>C on transcript NM_000551.4 (MANE Select); coding-DNA position 209, A replaced by C.
Protein change: p.Glu70Ala; replaces glutamic acid 70 with alanine.
Molecular consequence: missense variant.
Genome position (GRCh38, 1-based): chr3:10,142,056, A>C. VCF-style: chr3-10142056-A-C. GRCh37 (hg19) VCF-style: chr3-10183740-A-C.
Other names: c.209A>C, p.Glu70Ala (NM_001354723.2, NM_198156.3); short protein forms E70A.
Identifiers: ClinVar variation 2055614 (VCV002055614.4), dbSNP rs786202857, ClinGen allele CA351748957.

ClinVar aggregate classification (germline): Uncertain significance (1 of 4 stars; one submission).

Conditions:
Chuvash polycythemia. Also called: POLYCYTHEMIA, VHL-DEPENDENT. Identifiers: Orphanet 238557, MedGen C1837915, MONDO:0009892, OMIM 263400.
Von Hippel-Lindau syndrome (VHLS). Also called: von Hippel–Lindau syndrome; Von Hippel-Lindau; VHL syndrome. Identifiers: Orphanet 892, MedGen C0019562, MONDO:0008667, OMIM 193300. Disease mechanism: loss of function.

Submission:

Labcorp Genetics (formerly Invitae), Labcorp
Classification: Uncertain significance for Von Hippel-Lindau syndrome; Chuvash polycythemia. Last evaluated: 2021-12-23. Review status: criteria provided, single submitter. Criteria: Invitae Variant Classification Sherloc (09022015). Collection method: clinical testing. Allele origin: germline.
Comment: This variant has not been reported in the literature in individuals affected with VHL-related conditions. This sequence change replaces glutamic acid, which is acidic and polar, with alanine, which is neutral and non-polar, at codon 70 of the VHL protein (p.Glu70Ala). This variant is not present in population databases (gnomAD no frequency). Advanced modeling of protein sequence and biophysical properties (such as structural, functional, and spatial information, amino acid conservation, physicochemical variation, residue mobility, and thermodynamic stability) performed at Invitae indicates that this missense variant is expected to disrupt VHL protein function. This variant disrupts the p.Glu70 amino acid residue in VHL. Other variant(s) that disrupt this residue have been determined to be pathogenic (PMID: 9829912, 17661816, 19270817, 19408298, 25078357, 25562111, 25715769, 27439424). This suggests that this residue is clinically significant, and that variants that disrupt this residue are likely to be disease-causing. In summary, the available evidence is currently insufficient to determine the role of this variant in disease. Therefore, it has been classified as a Variant of Uncertain Significance.

Literature cited by the submitters: PubMed 9829912; PubMed 17661816; PubMed 19270817; PubMed 19408298; PubMed 25078357; PubMed 25562111; PubMed 25715769; PubMed 27439424.